The following is an entry in ClinVar:

NM_001010892.3(RSPH4A):c.1340T>C (p.Val447Ala)

Gene: RSPH4A (radial spoke head component 4A; plus strand). Cytogenetic location: 6q22.1.
Variant type: single nucleotide variant.
Coding change: c.1340T>C on transcript NM_001010892.3 (MANE Select); coding-DNA position 1340, T replaced by C.
Protein change: p.Val447Ala; replaces valine 447 with alanine.
Molecular consequence: missense variant.
Genome position (GRCh38, 1-based): chr6:116,628,047, T>C. VCF-style: chr6-116628047-T-C. GRCh37 (hg19) VCF-style: chr6-116949210-T-C.
Other names: p.Val447Ala; c.1340T>C (NM_001010892.2); c.1340T>C, p.Val447Ala (NM_001161664.2); short protein forms V447A.
Identifiers: ClinVar variation 1400514 (VCV001400514.15), dbSNP rs371062144, ClinGen allele CA3970929.

ClinVar aggregate classification (germline): Uncertain significance. Review status: criteria provided, multiple submitters, no conflicts (2 of 4 stars). 4 submissions from 4 submitters: Uncertain significance (4). Last evaluated 2024-07-11.

Conditions:
Primary ciliary dyskinesia. Also called: Ciliary dyskinesia. Identifiers: Orphanet 244, MedGen C0008780, MONDO:0016575, HP:0012265.
Primary ciliary dyskinesia 11. Also called: CILIARY DYSKINESIA, PRIMARY, 11, WITHOUT SITUS INVERSUS. Identifiers: Orphanet 244, MedGen C2675229, MONDO:0012978, OMIM 612649.

Allele frequency attached by ClinVar (database versions not stated): gnomAD exomes 0.00002 and 0.00005; ExAC 0.00007; gnomAD 0.00016 and 0.00018; TOPMed 0.00018.
gnomAD v4.1: 58 of 1,614,202 alleles (0.0036%); highest among the groups gnomAD compares: African/African-American, 0.055%; no homozygotes.

Submissions (4):

Ambry Genetics
Classification: Uncertain significance for Primary ciliary dyskinesia. Last evaluated: 2024-07-11. Review status: criteria provided, single submitter. Criteria: Ambry Variant Classification Scheme 2023. Collection method: clinical testing. Allele origin: germline.
Comment: The p.V447A variant (also known as c.1340T>C), located in coding exon 3 of the RSPH4A gene, results from a T to C substitution at nucleotide position 1340. The valine at codon 447 is replaced by alanine, an amino acid with similar properties. This amino acid position is conserved. In addition, the in silico prediction for this alteration is inconclusive. Based on the available evidence, the clinical significance of this variant remains unclear.

Mayo Clinic Laboratories, Mayo Clinic
Classification: Uncertain significance. Last evaluated: 2024-07-10. Review status: criteria provided, single submitter. Criteria: ACMG Guidelines, 2015. Collection method: clinical testing. Allele origin: germline. Observed: 1 variant allele.

Labcorp Genetics (formerly Invitae), Labcorp
Classification: Uncertain significance for Primary ciliary dyskinesia. Last evaluated: 2022-09-27. Review status: criteria provided, single submitter. Criteria: Invitae Variant Classification Sherloc (09022015). Collection method: clinical testing. Allele origin: germline.
Comment: This sequence change replaces valine, which is neutral and non-polar, with alanine, which is neutral and non-polar, at codon 447 of the RSPH4A protein (p.Val447Ala). This variant is present in population databases (rs371062144, gnomAD 0.07%). This variant has not been reported in the literature in individuals affected with RSPH4A-related conditions. ClinVar contains an entry for this variant (Variation ID: 1400514). Advanced modeling of protein sequence and biophysical properties (such as structural, functional, and spatial information, amino acid conservation, physicochemical variation, residue mobility, and thermodynamic stability) performed at Invitae indicates that this missense variant is not expected to disrupt RSPH4A protein function. In summary, the available evidence is currently insufficient to determine the role of this variant in disease. Therefore, it has been classified as a Variant of Uncertain Significance.

Fulgent Genetics
Classification: Uncertain significance for Primary ciliary dyskinesia 11. Last evaluated: 2021-10-27. Review status: criteria provided, single submitter. Criteria: ACMG Guidelines, 2015. Collection method: clinical testing. Allele origin: unknown.